The following is an entry in ClinVar:

ClinVar aggregate classification (germline): Uncertain significance (1 of 4 stars; one submission).

Submission:

Ambry Genetics
Classification: Uncertain significance. Last evaluated: 2024-03-27. Review status: criteria provided, single submitter. Criteria: Ambry Variant Classification Scheme 2023. Collection method: clinical testing. Allele origin: germline.
Comment: The p.S1167G variant (also known as c.3499A>G), located in coding exon 4 of the MLH3 gene, results from an A to G substitution at nucleotide position 3499. The serine at codon 1167 is replaced by glycine, an amino acid with similar properties. This amino acid position is conserved. In addition, this alteration is predicted to be tolerated by in silico analysis. Based on the available evidence, the clinical significance of this alteration remains unclear.

NM_001040108.2(MLH3):c.3499A>G (p.Ser1167Gly)

Gene: MLH3 (mutL homolog 3; minus strand). Cytogenetic location: 14q24.3.
Variant type: single nucleotide variant.
Coding change: c.3499A>G on transcript NM_001040108.2 (MANE Select); coding-DNA position 3499, A replaced by G.
Protein change: p.Ser1167Gly; replaces serine 1167 with glycine.
Molecular consequence: missense variant.
Genome position (GRCh38, 1-based): chr14:75,039,982, T>C on the plus strand (A>G on the coding strand, the complement: MLH3 is on the minus strand). VCF-style: chr14-75039982-T-C. GRCh37 (hg19) VCF-style: chr14-75506685-T-C.
Other names: c.3499A>G, p.Ser1167Gly (NM_014381.3); short protein forms S1167G.
Identifiers: ClinVar variation 3295097 (VCV003295097.1).